The following is an entry in ClinVar:

ClinVar aggregate classification (germline): Uncertain significance (1 of 4 stars; one submission).

Conditions:
Cardiovascular phenotype. Identifiers: MedGen CN230736.

gnomAD v4.1: 1 of 1,614,136 alleles (0.000062%); no homozygotes.

Submission:

Ambry Genetics
Classification: Uncertain significance for Cardiovascular phenotype. Last evaluated: 2022-02-12. Review status: criteria provided, single submitter. Criteria: Ambry Variant Classification Scheme 2023. Collection method: clinical testing. Allele origin: germline.
Comment: The p.R408W variant (also known as c.1222C>T), located in coding exon 2 of the KCND3 gene, results from a C to T substitution at nucleotide position 1222. The arginine at codon 408 is replaced by tryptophan, an amino acid with dissimilar properties. This amino acid position is conserved. In addition, this alteration is predicted to be deleterious by in silico analysis. Since supporting evidence is limited at this time, the clinical significance of this alteration remains unclear.

NM_001378969.1(KCND3):c.1222C>T (p.Arg408Trp)

Gene: KCND3 (potassium voltage-gated channel subfamily D member 3; minus strand). Cytogenetic location: 1p13.2.
Variant type: single nucleotide variant.
Coding change: c.1222C>T on transcript NM_001378969.1 (MANE Select); coding-DNA position 1222, C replaced by T.
Protein change: p.Arg408Trp; replaces arginine 408 with tryptophan.
Molecular consequence: missense variant.
Genome position (GRCh38, 1-based): chr1:111,786,991, G>A on the plus strand (C>T on the coding strand, the complement: KCND3 is on the minus strand). VCF-style: chr1-111786991-G-A. GRCh37 (hg19) VCF-style: chr1-112329613-G-A.
Other names: c.1222C>T, p.Arg408Trp (NM_001378970.1, NM_004980.5, NM_172198.3); short protein forms R408W.
Identifiers: ClinVar variation 1753411 (VCV001753411.2), dbSNP rs2525053071, ClinGen allele CA341660575.